The following is an entry in ClinVar:

ClinVar aggregate classification (germline): Uncertain significance (1 of 4 stars; one submission).

Conditions:
Developmental and epileptic encephalopathy, 31A. Also called: Developmental and epileptic encephalopathy, 31; Epileptic encephalopathy, early infantile, 31. Identifiers: Orphanet 2382, MedGen C4225357, MONDO:0014598, OMIM 616346.

Submission:

Labcorp Genetics (formerly Invitae), Labcorp
Classification: Uncertain significance for Developmental and epileptic encephalopathy, 31A. Last evaluated: 2023-07-30. Review status: criteria provided, single submitter. Criteria: Invitae Variant Classification Sherloc (09022015). Collection method: clinical testing. Allele origin: germline.
Comment: In summary, the available evidence is currently insufficient to determine the role of this variant in disease. Therefore, it has been classified as a Variant of Uncertain Significance. Advanced modeling of protein sequence and biophysical properties (such as structural, functional, and spatial information, amino acid conservation, physicochemical variation, residue mobility, and thermodynamic stability) performed at Invitae indicates that this missense variant is expected to disrupt DNM1 protein function. This variant has not been reported in the literature in individuals affected with DNM1-related conditions. This variant is not present in population databases (gnomAD no frequency). This sequence change replaces histidine, which is basic and polar, with proline, which is neutral and non-polar, at codon 367 of the DNM1 protein (p.His367Pro).

NM_004408.4(DNM1):c.1100A>C (p.His367Pro)

Gene: DNM1 (dynamin 1; plus strand). Cytogenetic location: 9q34.11.
Variant type: single nucleotide variant.
Coding change: c.1100A>C on transcript NM_004408.4 (MANE Select); coding-DNA position 1100, A replaced by C.
Protein change: p.His367Pro; replaces histidine 367 with proline.
Molecular consequence: missense variant.
Genome position (GRCh38, 1-based): chr9:128,222,568, A>C. VCF-style: chr9-128222568-A-C. GRCh37 (hg19) VCF-style: chr9-130984847-A-C.
Other names: c.1100A>C, p.His367Pro (NM_001005336.3, NM_001288737.2, NM_001288738.2 and 2 more transcripts); short protein forms H367P.
Identifiers: ClinVar variation 2863191 (VCV002863191.3), dbSNP rs2538997552, ClinGen allele CA375016347.